The following is an entry in ClinVar:

ClinVar aggregate classification (germline): Uncertain significance (1 of 4 stars; one submission).

Submission:

Labcorp Genetics (formerly Invitae), Labcorp
Classification: Uncertain significance. Last evaluated: 2024-10-10. Review status: criteria provided, single submitter. Criteria: Invitae Variant Classification Sherloc (09022015). Collection method: clinical testing. Allele origin: germline.
Comment: This sequence change falls in intron 5 of the PLEKHM2 gene. It does not directly change the encoded amino acid sequence of the PLEKHM2 protein. It affects a nucleotide within the consensus splice site. This variant is not present in population databases (gnomAD no frequency). This variant has not been reported in the literature in individuals affected with PLEKHM2-related conditions. Variants that disrupt the consensus splice site are a relatively common cause of aberrant splicing (PMID: 17576681, 9536098). Algorithms developed to predict the effect of sequence changes on RNA splicing suggest that this variant may disrupt the consensus splice site. In summary, the available evidence is currently insufficient to determine the role of this variant in disease. Therefore, it has been classified as a Variant of Uncertain Significance.

Literature cited by the submitters: PubMed 17576681; PubMed 9536098.

NM_015164.4(PLEKHM2):c.466-3C>A

Gene: PLEKHM2 (pleckstrin homology and RUN domain containing M2; plus strand). Cytogenetic location: 1p36.21.
Variant type: single nucleotide variant.
Coding change: c.466-3C>A on transcript NM_015164.4 (MANE Select); 3 bases into the intron before coding-DNA position 466, C replaced by A.
Molecular consequence: intron variant.
Genome position (GRCh38, 1-based): chr1:15,719,731, C>A. VCF-style: chr1-15719731-C-A. GRCh37 (hg19) VCF-style: chr1-16046226-C-A.
Other names: c.466-3C>A (NM_001410755.1).
Identifiers: ClinVar variation 3722533 (VCV003722533.2).
Genomic context (GRCh38, chr1:15,719,731, plus strand): 5'-TGTCTGCAGAAGGCCGCTGCACGAGGCCTCCCACCAAACGGGCCTCCTCTACTCTCTCCT[C>A]AGGATGCCCCTTACCTAGACCTGGCCCCCTACATGCCCGACTACTACAAACCTCAGTACC-3'